The following is an entry in ClinVar:

ClinVar aggregate classification (germline): Benign/Likely benign. Review status: criteria provided, multiple submitters, no conflicts (2 of 4 stars). 7 submissions from 7 submitters: Benign (2); Likely benign (5). Last evaluated 2026-09-01.

Conditions:
Inborn genetic diseases. Identifiers: MedGen C0950123, MeSH D030342.
Autosomal dominant intellectual disability-craniofacial anomalies-cardiac defects syndrome (ARTHS). Also called: Arboleda-Tham syndrome; Mental retardation, autosomal dominant 32; KAT6A syndrome. Identifiers: Orphanet 457193, MedGen C4225396, MONDO:0014558, OMIM 616268.

Submissions (7):

CeGaT Center for Human Genetics Tuebingen
Classification: Likely benign. Last evaluated: 2026-09-01. Review status: criteria provided, single submitter. Criteria: CeGaT Center For Human Genetics Tuebingen Variant Classification Criteria Version 2. Collection method: clinical testing. Allele origin: germline. Affected: yes. Observed: 9 variant alleles.
Comment: KAT6A: BS1

Labcorp Genetics (formerly Invitae), Labcorp
Classification: Likely benign. Last evaluated: 2026-01-31. Review status: criteria provided, single submitter. Criteria: Invitae Variant Classification Sherloc (09022015). Collection method: clinical testing. Allele origin: germline.

Blueprint Genetics
Classification: Likely benign. Last evaluated: 2024-11-21. Review status: criteria provided, single submitter. Criteria: ACMG Guidelines, 2015. Collection method: clinical testing. Allele origin: germline.

Mendelics
Classification: Likely benign for Autosomal dominant intellectual disability-craniofacial anomalies-cardiac defects syndrome. Last evaluated: 2019-05-28. Review status: criteria provided, single submitter. Criteria: Mendelics Assertion Criteria 2017. Collection method: clinical testing. Allele origin: unknown.

GeneDx
Classification: Benign. Last evaluated: 2019-02-20. Review status: criteria provided, single submitter. Criteria: GeneDx Variant Classification Process June 2021. Collection method: clinical testing. Allele origin: germline. Affected: yes.

Ambry Genetics
Classification: Benign for Inborn genetic diseases. Last evaluated: 2018-12-07. Review status: criteria provided, single submitter. Criteria: Ambry Variant Classification Scheme 2023. Collection method: clinical testing. Allele origin: germline.

Eurofins Ntd Llc (ga)
Classification: Likely benign. Last evaluated: 2018-07-30. Review status: criteria provided, single submitter. Criteria: EGL ClinVar v180209 classification definitions. Collection method: clinical testing. Allele origin: germline.

NM_006766.5(KAT6A):c.5040_5051del (p.1677_1680QQPQ[1])

Gene: KAT6A (lysine acetyltransferase 6A; minus strand). Cytogenetic location: 8p11.21.
Variant type: Deletion.
Coding change: c.5040_5051del on transcript NM_006766.5 (MANE Select); coding-DNA positions 5040 to 5051, 12 bases deleted (ACAGCAGCCGCA).
Protein change: p.1677_1680QQPQ[1].
Molecular consequence: inframe deletion.
Genome position (GRCh38, 1-based): chr8:41,933,169-41,933,180, TGCGGCTGCTGT deleted on the plus strand (ACAGCAGCCGCA on the coding strand, the reverse complement: KAT6A is on the minus strand); deleting any 12 consecutive bases within chr8:41,933,169-41,933,191 gives the same sequence; the c. name uses the placement nearest the transcript's 3' end. VCF-style (leftmost placement, unchanged base first): chr8-41933168-CTGCGGCTGCTGT-C. GRCh37 (hg19) VCF-style: chr8-41790686-CTGCGGCTGCTGT-C.
Other names: c.5040_5051del12 (NM_006766.3).
Identifiers: ClinVar variation 589281 (VCV000589281.46), dbSNP rs548231613, ClinGen allele CA4729369.